The following is an entry in ClinVar:

ClinVar aggregate classification (germline): Uncertain significance. Review status: criteria provided, multiple submitters, no conflicts (2 of 4 stars). 2 submissions from 2 submitters: Uncertain significance (2). Last evaluated 2023-12-23.

Conditions:
Cardiovascular phenotype. Identifiers: MedGen CN230736.
Dilated cardiomyopathy 1W (CMD1W). Identifiers: Orphanet 154, MedGen C1969639, MONDO:0012667, OMIM 611407.

gnomAD v4.1: 2 of 1,614,060 alleles (0.00012%); highest among the groups gnomAD compares: Non-Finnish European, 0.00017%; no homozygotes.

Submissions (2):

Labcorp Genetics (formerly Invitae), Labcorp
Classification: Uncertain significance for Dilated cardiomyopathy 1W. Last evaluated: 2023-12-23. Review status: criteria provided, single submitter. Criteria: Invitae Variant Classification Sherloc (09022015). Collection method: clinical testing. Allele origin: germline.
Comment: This sequence change replaces glycine, which is neutral and non-polar, with valine, which is neutral and non-polar, at codon 344 of the VCL protein (p.Gly344Val). This variant is present in population databases (no rsID available, gnomAD 0.0009%). This variant has not been reported in the literature in individuals affected with VCL-related conditions. ClinVar contains an entry for this variant (Variation ID: 1771347). An algorithm developed to predict the effect of missense changes on protein structure and function (PolyPhen-2) suggests that this variant is likely to be disruptive. In summary, the available evidence is currently insufficient to determine the role of this variant in disease. Therefore, it has been classified as a Variant of Uncertain Significance.

Ambry Genetics
Classification: Uncertain significance for Cardiovascular phenotype. Last evaluated: 2021-06-30. Review status: criteria provided, single submitter. Criteria: Ambry Variant Classification Scheme 2023. Collection method: clinical testing. Allele origin: germline.
Comment: The p.G344V variant (also known as c.1031G>T), located in coding exon 9 of the VCL gene, results from a G to T substitution at nucleotide position 1031. The glycine at codon 344 is replaced by valine, an amino acid with dissimilar properties. This amino acid position is conserved. In addition, this alteration is predicted to be deleterious by in silico analysis. Since supporting evidence is limited at this time, the clinical significance of this alteration remains unclear.

NM_014000.3(VCL):c.1031G>T (p.Gly344Val)

Gene: VCL (vinculin; plus strand). Cytogenetic location: 10q22.2.
Variant type: single nucleotide variant.
Coding change: c.1031G>T on transcript NM_014000.3 (MANE Select); coding-DNA position 1031, G replaced by T.
Protein change: p.Gly344Val; replaces glycine 344 with valine.
Molecular consequence: missense variant.
Genome position (GRCh38, 1-based): chr10:74,089,204, G>T. VCF-style: chr10-74089204-G-T. GRCh37 (hg19) VCF-style: chr10-75848962-G-T.
Other names: c.1031G>T, p.Gly344Val (NM_003373.4); short protein forms G344V.
Identifiers: ClinVar variation 1771347 (VCV001771347.4), dbSNP rs778875353, ClinGen allele CA377272218.
Genomic context (GRCh38, chr10:74,089,204, plus strand): 5'-GTCATTAAGTATTTGAGGGTGTACAATGACAGCATGTGTCTGTTTTGAGCAGAGGACAAG[G>T]ATCCTCACCGGTGGCCATGCAGAAAGCTCAGCAGGTATCTCAGGGTCTGGATGTGCTCAC-3'
Protein context (NP_054706.1, residues 334-354): QVADLRARGQ[Gly344Val]SSPVAMQKAQ